The following is an entry in ClinVar:

NM_001018005.2(TPM1):c.497C>T (p.Ala166Val)

Gene: TPM1 (tropomyosin 1; plus strand). Cytogenetic location: 15q22.2.
Variant type: single nucleotide variant.
Coding change: c.497C>T on transcript NM_001018005.2 (MANE Select); coding-DNA position 497, C replaced by T.
Protein change: p.Ala166Val; replaces alanine 166 with valine.
Molecular consequence: missense variant. On other transcripts: non-coding transcript variant (17).
Genome position (GRCh38, 1-based): chr15:63,060,873, C>T. VCF-style: chr15-63060873-C-T. GRCh37 (hg19) VCF-style: chr15-63353072-C-T.
Other names: c.497C>T, p.Ala166Val (NM_000366.6, NM_001018004.2, NM_001018006.2 and 20 more transcripts); c.389C>T, p.Ala130Val (NM_001018008.2, NM_001301289.2, NM_001330344.2 and 9 more transcripts); c.623C>T, p.Ala208Val (NM_001365778.1, NM_001407322.1, NM_001407323.1 and 1 more transcripts); short protein forms A130V, A166V, A208V.
Identifiers: ClinVar variation 3340563 (VCV003340563.1).

ClinVar aggregate classification (germline): Pathogenic (1 of 4 stars; one submission).

Submission:

GeneDx
Classification: Pathogenic. Last evaluated: 2023-12-13. Review status: criteria provided, single submitter. Criteria: GeneDx Variant Classification Process June 2021. Collection method: clinical testing. Allele origin: germline. Affected: yes.
Comment: Not observed at significant frequency in large population cohorts (gnomAD); In silico analysis supports that this missense variant has a deleterious effect on protein structure/function; This variant is associated with the following publications: (PMID: 29095814)